The following is an entry in ClinVar:

ClinVar aggregate classification (germline): Likely benign (1 of 4 stars; one submission).

Submission:

CeGaT Center for Human Genetics Tuebingen
Classification: Likely benign. Last evaluated: 2024-05-01. Review status: criteria provided, single submitter. Criteria: CeGaT Center For Human Genetics Tuebingen Variant Classification Criteria Version 2. Collection method: clinical testing. Allele origin: germline. Affected: yes. Observed: 1 variant allele.
Comment: ADGRV1: PM2:Supporting, BP4, BP7

NM_032119.4(ADGRV1):c.12069T>C (p.Val4023=)

Gene: ADGRV1 (adhesion G protein-coupled receptor V1; plus strand). Cytogenetic location: 5q14.3.
Variant type: single nucleotide variant.
Coding change: c.12069T>C on transcript NM_032119.4 (MANE Select); coding-DNA position 12069, T replaced by C.
Protein change: p.Val4023=; no amino-acid change (valine 4023 retained).
Molecular consequence: synonymous variant. On other transcripts: non-coding transcript variant (1).
Genome position (GRCh38, 1-based): chr5:90,759,537, T>C. VCF-style: chr5-90759537-T-C. GRCh37 (hg19) VCF-style: chr5-90055354-T-C.
Identifiers: ClinVar variation 3239541 (VCV003239541.19), dbSNP rs2531673218.
Genomic context (GRCh38, chr5:90,759,537, plus strand): 5'-TTCCTTGATCAGTGTTGCTGGAGGTGGCAGACTTGGTGATGATGTTGTGGTAACTGTTGT[T>C]ATTCCACAAAATGATTCTCCATTTGGAGTATTTGGATTTGAAGAAAAGACTGTAAGTTAA-3'
Protein context (NP_115495.3, residues 4013-4033): RLGDDVVVTV[Val4023=]IPQNDSPFGV